The following is an entry in ClinVar:

ClinVar aggregate classification (germline): Uncertain significance (1 of 4 stars; one submission).

Allele frequency attached by ClinVar (database versions not stated): gnomAD exomes below 0.00001.
gnomAD v4.1: 6 of 1,613,606 alleles (0.00037%); highest among the groups gnomAD compares: Non-Finnish European, 0.00051%; no homozygotes.

Submission:

Labcorp Genetics (formerly Invitae), Labcorp
Classification: Uncertain significance. Last evaluated: 2023-07-19. Review status: criteria provided, single submitter. Criteria: Invitae Variant Classification Sherloc (09022015). Collection method: clinical testing. Allele origin: germline.
Comment: This sequence change replaces arginine, which is basic and polar, with serine, which is neutral and polar, at codon 1531 of the RP1 protein (p.Arg1531Ser). This variant is not present in population databases (gnomAD no frequency). This variant has not been reported in the literature in individuals affected with RP1-related conditions. Algorithms developed to predict the effect of missense changes on protein structure and function output the following: SIFT: "Not Available"; PolyPhen-2: "Benign"; Align-GVGD: "Not Available". The serine amino acid residue is found in multiple mammalian species, which suggests that this missense change does not adversely affect protein function. In summary, the available evidence is currently insufficient to determine the role of this variant in disease. Therefore, it has been classified as a Variant of Uncertain Significance.

NM_006269.2(RP1):c.4593G>T (p.Arg1531Ser)

Gene: RP1 (RP1 axonemal microtubule associated; plus strand). Cytogenetic location: 8q12.1.
Variant type: single nucleotide variant.
Coding change: c.4593G>T on transcript NM_006269.2 (MANE Select); coding-DNA position 4593, G replaced by T.
Protein change: p.Arg1531Ser; replaces arginine 1531 with serine.
Molecular consequence: missense variant. On other transcripts: intron variant (1).
Genome position (GRCh38, 1-based): chr8:54,628,475, G>T. VCF-style: chr8-54628475-G-T. GRCh37 (hg19) VCF-style: chr8-55541035-G-T.
Other names: c.787+6187G>T (NM_001375654.1); short protein forms R1531S.
Identifiers: ClinVar variation 2991056 (VCV002991056.3), dbSNP rs2536585233, ClinGen allele CA370982750.